The following is an entry in ClinVar:

ClinVar aggregate classification (germline): Benign (1 of 4 stars; one submission).

Allele frequency attached by ClinVar (database versions not stated): 1000 Genomes Project 30x 0.08276; 1000 Genomes Project 0.08407; gnomAD 0.09269 and 0.09334; TOPMed 0.10146.
gnomAD v4.1: 14,335 of 152,244 alleles (9.4%); highest among the groups gnomAD compares: Admixed American, 14%; 831 homozygotes.

Submission:

GeneDx
Classification: Benign. Last evaluated: 2018-06-18. Review status: criteria provided, single submitter. Criteria: GeneDx Variant Classification (06012015). Collection method: clinical testing. Allele origin: germline. Affected: yes.
Comment: This variant is considered likely benign or benign based on one or more of the following criteria: it is a conservative change, it occurs at a poorly conserved position in the protein, it is predicted to be benign by multiple in silico algorithms, and/or has population frequency not consistent with disease.

NM_001999.4(FBN2):c.5423-276G>T

Gene: FBN2 (fibrillin 2; minus strand). Cytogenetic location: 5q23.3.
Variant type: single nucleotide variant.
Coding change: c.5423-276G>T on transcript NM_001999.4 (MANE Select); 276 bases into the intron before coding-DNA position 5423, G replaced by T.
Molecular consequence: intron variant.
Genome position (GRCh38, 1-based): chr5:128,306,224, C>A on the plus strand (G>T on the coding strand, the complement: FBN2 is on the minus strand). VCF-style: chr5-128306224-C-A. GRCh37 (hg19) VCF-style: chr5-127641916-C-A.
Identifiers: ClinVar variation 668970 (VCV000668970.1), dbSNP rs32220, ClinGen allele CA126984469.
Genomic context (GRCh38, chr5:128,306,224, plus strand): 5'-TATACCAAGTAATTTCAGAGTCAATATAGCAAATGAACTTTCTAGGCAATCAAACCCCTT[C>A]TTCAGGTTACCCTAAGTGCTGCTATTCATTTGTTTAAAAAGCTATGTTTTCATCATTGTA-3'